The following is an entry in ClinVar:

ClinVar aggregate classification (germline): Uncertain significance (1 of 4 stars; one submission).

Allele frequency attached by ClinVar (database versions not stated): gnomAD exomes below 0.00001.
gnomAD v4.1: 1 of 1,557,294 alleles (0.000064%); highest among the groups gnomAD compares: Non-Finnish European, 0.000088%; no homozygotes.

Submission:

CeGaT Center for Human Genetics Tuebingen
Classification: Uncertain significance. Last evaluated: 2022-07-01. Review status: criteria provided, single submitter. Criteria: CeGaT Center For Human Genetics Tuebingen Variant Classification Criteria Version 2. Collection method: clinical testing. Allele origin: germline. Affected: yes. Observed: 1 variant allele.
Comment: CNKSR3: PM2:Supporting, PP3

NM_173515.4(CNKSR3):c.507G>A (p.Lys169=)

Gene: CNKSR3 (CNKSR family member 3; minus strand). Cytogenetic location: 6q25.2.
Variant type: single nucleotide variant.
Coding change: c.507G>A on transcript NM_173515.4 (MANE Select); coding-DNA position 507, G replaced by A.
Protein change: p.Lys169=; no amino-acid change (lysine 169 retained).
Molecular consequence: synonymous variant.
Genome position (GRCh38, 1-based): chr6:154,441,292, C>T on the plus strand (G>A on the coding strand, the complement: CNKSR3 is on the minus strand). VCF-style: chr6-154441292-C-T. GRCh37 (hg19) VCF-style: chr6-154762426-C-T.
Other names: c.507G>A, p.Lys169= (NM_001368117.1); c.267G>A, p.Lys89= (NM_001368118.1); c.525G>A, p.Lys175= (NM_001368116.1).
Identifiers: ClinVar variation 2657043 (VCV002657043.24), dbSNP rs2482699410, ClinGen allele CA452921680.
Genomic context (GRCh38, chr6:154,441,292, plus strand): 5'-AGAGGAAAAGCAAAAAAAAAAAAAAAAAAAAAAAGAAAGTGAAAATGACATACTACTGAC[C>T]TTCTGGACTGTAGTGGTCAGGTCCAAGCAAAGCTGGATAATTTTGTTCTTCGTGACTGAG-3'
Protein context (NP_775786.2, residues 159-179): LCLDLTTTVQ[Lys169=]DCFVAEMEDK